The following is an entry in ClinVar:

NM_014927.5(CNKSR2):c.1359A>T (p.Glu453Asp)

Gene: CNKSR2 (connector enhancer of kinase suppressor of Ras 2; plus strand). Cytogenetic location: Xp22.12.
Variant type: single nucleotide variant.
Coding change: c.1359A>T on transcript NM_014927.5 (MANE Select); coding-DNA position 1359, A replaced by T.
Protein change: p.Glu453Asp; replaces glutamic acid 453 with aspartic acid.
Molecular consequence: missense variant. On other transcripts: intron variant (4).
Genome position (GRCh38, 1-based): chrX:21,561,526, A>T. VCF-style: chrX-21561526-A-T. GRCh37 (hg19) VCF-style: chrX-21579644-A-T.
Other names: c.1359A>T, p.Glu453Asp (NM_001168648.3); c.1212A>T, p.Glu404Asp (NM_001168649.3, NM_001330770.2); c.1304-1712A>T (NM_001168647.3, NM_001330773.2); c.1157-1712A>T (NM_001330772.2, NM_001330771.2); short protein forms E453D, E404D.
Identifiers: ClinVar variation 1810729 (VCV001810729.1), dbSNP rs2519208511, ClinGen allele CA412552514.

ClinVar aggregate classification (germline): Uncertain significance (1 of 4 stars; one submission).

Submission:

GeneDx
Classification: Uncertain significance. Last evaluated: 2022-07-07. Review status: criteria provided, single submitter. Criteria: GeneDx Variant Classification Process June 2021. Collection method: clinical testing. Allele origin: germline. Affected: yes.
Comment: Not observed at significant frequency in large population cohorts (gnomAD); In silico analysis supports that this missense variant does not alter protein structure/function; Has not been previously published as pathogenic or benign to our knowledge